The following is an entry in ClinVar:

NM_001329943.3(KIAA0586):c.2407T>G (p.Ser803Ala)

Gene: KIAA0586 (KIAA0586; plus strand). Cytogenetic location: 14q23.1.
Variant type: single nucleotide variant.
Coding change: c.2407T>G on transcript NM_001329943.3 (MANE Select); coding-DNA position 2407, T replaced by G.
Protein change: p.Ser803Ala; replaces serine 803 with alanine.
Molecular consequence: missense variant.
Genome position (GRCh38, 1-based): chr14:58,467,887, T>G. VCF-style: chr14-58467887-T-G. GRCh37 (hg19) VCF-style: chr14-58934605-T-G.
Other names: c.2566T>G, p.Ser856Ala (NM_001244189.2); c.2362T>G, p.Ser788Ala (NM_001244190.2); c.2152T>G, p.Ser718Ala (NM_001244191.2, NM_001329945.2, NM_001364700.1 and 1 more transcripts); c.2275T>G, p.Ser759Ala (NM_001244192.2); c.1987T>G, p.Ser663Ala (NM_001244193.2); c.2407T>G, p.Ser803Ala (NM_001329944.2, NM_001329946.2, NM_001329947.2); c.2179T>G, p.Ser727Ala (NM_014749.5); short protein forms S856A, S727A, S718A, S788A, S759A, S663A, S803A.
Identifiers: ClinVar variation 266094 (VCV000266094.2), dbSNP rs886039806, ClinGen allele CA10588973.
Genomic context (GRCh38, chr14:58,467,887, plus strand): 5'-TCATCTCGAAAAGTAGAAACTGGAGTAAAGAAACCTAACATAGCCATTGTAGAAATGAAG[T>G]CAGAAAAAAAGGATCCTCCTCAGCTTACTGTGCAGGTATGCCAGGGTGCATGAGTAGAAA-3'
Protein context (NP_001316872.1, residues 793-813): KPNIAIVEMK[Ser803Ala]EKKDPPQLTV

ClinVar aggregate classification (germline): Likely pathogenic. Review status: criteria provided, single submitter (1 of 4 stars). 2 submissions from 2 submitters: Likely pathogenic (1). 1 of the submissions does not count toward it. Last evaluated 2025-01-21.

Conditions:
Joubert syndrome 23 (JBTS23). Identifiers: Orphanet 475, MedGen C4084822, MONDO:0014664, OMIM 616490.
Short-rib thoracic dysplasia 14 with polydactyly (SRTD14). Identifiers: Orphanet 397715, MedGen C4225286, MONDO:0014688, OMIM 616546.
Meckel-Gruber syndrome. Also called: DYSENCEPHALIA SPLANCHNOCYSTICA; GRUBER SYNDROME; Dysencephalia splachnocystica. Identifiers: Orphanet 564, MedGen C0265215, MONDO:0018921.

Allele frequency attached by ClinVar (database versions not stated): gnomAD 0.00003.
gnomAD v4.1: 7 of 1,612,042 alleles (0.00043%); highest among the groups gnomAD compares: Non-Finnish European, 0.00051%; no homozygotes.

Submissions (2):

First Genomix Gene Laboratory, Genetic Diagnostics Department
Classification: Likely pathogenic for Joubert syndrome 23; Short-rib thoracic dysplasia 14 with polydactyly. Last evaluated: 2025-01-21. Review status: criteria provided, single submitter. Criteria: ACMG Guidelines, 2015. Collection method: clinical testing. Allele origin: germline. Inheritance: Autosomal recessive inheritance. Affected: no. Observed: 1 variant allele.

Genomic Medicine Center of Excellence, King Faisal Specialist Hospital and Research Centre
Classification: Likely pathogenic for Meckel syndrome. Review status: no assertion criteria provided. Collection method: research. Allele origin: germline. Affected: yes. Observed: 1 homozygote. Not counted in ClinVar's aggregate classification.